The following is an entry in ClinVar:

NM_021830.5(TWNK):c.1117C>G (p.Leu373Val)

Gene: TWNK (twinkle mtDNA helicase; plus strand). Cytogenetic location: 10q24.31.
Variant type: single nucleotide variant.
Coding change: c.1117C>G on transcript NM_021830.5 (MANE Select); coding-DNA position 1117, C replaced by G.
Protein change: p.Leu373Val; replaces leucine 373 with valine.
Molecular consequence: missense variant. On other transcripts: non-coding transcript variant (4), intron variant (3).
Genome position (GRCh38, 1-based): chr10:100,989,327, C>G. VCF-style: chr10-100989327-C-G. GRCh37 (hg19) VCF-style: chr10-102749084-C-G.
Other names: c.1117C>G, p.Leu373Val (NM_001163812.2); c.-119-317C>G (NM_001163814.2, NM_001163813.2); c.-57-379C>G (NM_001368275.1); short protein forms L373V.
Identifiers: ClinVar variation 3781325 (VCV003781325.1).

ClinVar aggregate classification (germline): Uncertain significance (1 of 4 stars; one submission).

Conditions:
Progressive external ophthalmoplegia with mitochondrial DNA deletions, autosomal dominant 3. Also called: PROGRESSIVE EXTERNAL OPHTHALMOPLEGIA, AUTOSOMAL DOMINANT 3. Identifiers: MedGen C1836439, MONDO:0012241, OMIM 609286.

Submission:

Clinical Omics and Informatics (COIN) Unit, Neuroscience Institute, University Of Cape Town
Classification: Uncertain significance for Progressive external ophthalmoplegia with mitochondrial DNA deletions, autosomal dominant 3. Last evaluated: 2025-03-24. Review status: criteria provided, single submitter. Criteria: ACMG Guidelines, 2015. Collection method: research. Allele origin: germline. Inheritance: Autosomal dominant inheritance. Affected: yes. Observed: 2 variant alleles, 2 heterozygotes.
Comment: This variant is absent from gnomAD v4 and the African Genome Variation Database (AGVD). PP3_Met: Revel score is 0.674. PP2 Not Met: Missense Z score is 2.59. PM1 Met: This variant is located within exon 1 of the TWNK gene, a critical region for TWNK protein function (entire primary enzyme and connector domains as well as a partial helix enzyme domain are located in exon 1). Several pathogenic missense mutations in exon 1 have been linked to PEOA3 (PMID:33396418;21689831;20479361).

Literature cited by the submitters: PubMed 33396418; PubMed 21689831; PubMed 20479361.